The following is an entry in ClinVar:

NM_182914.3(SYNE2):c.697G>A (p.Val233Met)

Gene: SYNE2 (spectrin repeat containing nuclear envelope protein 2; plus strand). Cytogenetic location: 14q23.2.
Variant type: single nucleotide variant.
Coding change: c.697G>A on transcript NM_182914.3 (MANE Select); coding-DNA position 697, G replaced by A.
Protein change: p.Val233Met; replaces valine 233 with methionine.
Molecular consequence: missense variant.
Genome position (GRCh38, 1-based): chr14:63,954,825, G>A. VCF-style: chr14-63954825-G-A. GRCh37 (hg19) VCF-style: chr14-64421543-G-A.
Other names: c.697G>A, p.Val233Met (NM_015180.6); short protein forms V233M.
Identifiers: ClinVar variation 1473231 (VCV001473231.6), dbSNP rs2153436709, ClinGen allele CA389942541.

ClinVar aggregate classification (germline): Uncertain significance (1 of 4 stars; one submission).

Conditions:
Emery-Dreifuss muscular dystrophy 5, autosomal dominant (EDMD5). Also called: EMERY-DREIFUSS MUSCULAR DYSTROPHY 5. Identifiers: Orphanet 261, MedGen C2751805, MONDO:0013072, OMIM 612999.

Submission:

Labcorp Genetics (formerly Invitae), Labcorp
Classification: Uncertain significance for Emery-Dreifuss muscular dystrophy 5, autosomal dominant. Last evaluated: 2021-10-29. Review status: criteria provided, single submitter. Criteria: Invitae Variant Classification Sherloc (09022015). Collection method: clinical testing. Allele origin: germline.
Comment: This variant has not been reported in the literature in individuals affected with SYNE2-related conditions. In summary, the available evidence is currently insufficient to determine the role of this variant in disease. Therefore, it has been classified as a Variant of Uncertain Significance. Algorithms developed to predict the effect of missense changes on protein structure and function output the following: SIFT: "Tolerated"; PolyPhen-2: "Benign"; Align-GVGD: "Class C0". The methionine amino acid residue is found in multiple mammalian species, which suggests that this missense change does not adversely affect protein function. This variant is not present in population databases (gnomAD no frequency). This sequence change replaces valine, which is neutral and non-polar, with methionine, which is neutral and non-polar, at codon 233 of the SYNE2 protein (p.Val233Met).